The following is an entry in ClinVar:

ClinVar aggregate classification (germline): Pathogenic (1 of 4 stars; one submission).

Conditions:
Congenital hyperammonemia, type I. Also called: CPS I DEFICIENCY; Carbamoyl phosphate synthetase 1 deficiency; Hyperammonemia due to carbamoyl phosphate synthetase 1 deficiency; CPS 1 deficiency; Carbamyl phosphate synthetase (CPS) deficiency; Carbamoyl phosphate synthetase I deficiency disease. Identifiers: Orphanet 147, MedGen C4082171, MONDO:0009376, OMIM 237300.

Submission:

Myriad Genetics, Inc.
Classification: Pathogenic for Congenital hyperammonemia, type I. Last evaluated: 2025-09-29. Review status: criteria provided, single submitter. Criteria: Myriad Autosomal Dominant, Autosomal Recessive and X-Linked Classification Criteria (2023). Collection method: clinical testing. Allele origin: unknown.
Comment: NM_001875.4(CPS1):c.2553_2556delCTAT(I851Mfs*34) is expected to be pathogenic in the context of carbamoylphosphate synthetase I deficiency. This variant is predicted to lead to an abnormal or absent protein product due to the creation of a premature termination codon in CPS1, a gene where loss-of-function variants are known to be pathogenic. Please note: this variant was assessed in the context of healthy population screening.

NM_001875.5(CPS1):c.2553_2556del (p.Ile851fs)

Gene: CPS1 (carbamoyl-phosphate synthase 1; plus strand). Cytogenetic location: 2q34.
Variant type: Deletion.
Coding change: c.2553_2556del on transcript NM_001875.5 (MANE Select); coding-DNA positions 2553 to 2556, 4 bases deleted (CTAT; older notation c.2553_2556delCTAT).
Protein change: p.Ile851fs; shifts the reading frame from isoleucine 851.
Molecular consequence: frameshift variant. On other transcripts: non-coding transcript variant (2).
Genome position (GRCh38, 1-based): chr2:210,612,278-210,612,281, CTAT deleted; deleting any 4 consecutive bases within chr2:210,612,275-210,612,281 gives the same sequence; the c. name uses the placement nearest the transcript's 3' end. VCF-style (leftmost placement, unchanged base first): chr2-210612274-GTATC-G. GRCh37 (hg19) VCF-style: chr2-211476998-GTATC-G.
Other names: c.2553_2556del, p.Ile851fs (NM_001122633.3, NM_001369257.1); c.2586_2589del, p.Ile862fs (NM_001369256.1); short protein forms I851fs, I862fs.
Identifiers: ClinVar variation 5015035 (VCV005015035.1).
Genomic context (GRCh38, chr2:210,612,274, plus strand): 5'-ACAAAGAATGGCCATCTAATTTAGATCTTAGAAAAGAGTTGTCTGAACCAAGCAGCACGC[GTATC>G]TATGCCATTGCCAAGGTAAGATGTTACAAGGGGCCCACAGCTACTAGTTGCTTTTCCAGA-3'